The following is an entry in ClinVar:

NM_000238.4(KCNH2):c.1121_1122del (p.Val374fs)

Gene: KCNH2 (potassium voltage-gated channel subfamily H member 2; minus strand). Cytogenetic location: 7q36.1.
Variant type: Deletion.
Coding change: c.1121_1122del on transcript NM_000238.4 (MANE Select); coding-DNA positions 1121 to 1122, 2 bases deleted (TC; older notation c.1121_1122delTC).
Protein change: p.Val374fs; shifts the reading frame from valine 374.
Molecular consequence: frameshift variant.
Genome position (GRCh38, 1-based): chr7:150,957,297-150,957,298, GA deleted on the plus strand (TC on the coding strand, the reverse complement: KCNH2 is on the minus strand). VCF-style (leftmost placement, unchanged base first): chr7-150957296-TGA-T. GRCh37 (hg19) VCF-style: chr7-150654384-TGA-T.
Other names: c.833_834delTC, p.Val278Aspfs (NM_001406753.1, NM_001406756.1); c.944_945delTC, p.Val315Aspfs (NM_001406755.1); c.821_822delTC, p.Val274Aspfs (NM_001406757.1); c.1121_1122delTC, p.Val374Aspfs (NM_172056.3); short protein forms V374fs.
Identifiers: ClinVar variation 456876 (VCV000456876.8), dbSNP rs1554427317, ClinGen allele CA658656010.

ClinVar aggregate classification (germline): Pathogenic (1 of 4 stars; one submission).

Conditions:
Long QT syndrome (LQTS). Identifiers: MedGen C0023976, MeSH D008133, MONDO:0002442. Disease mechanism: loss of function. Inheritance: Various modes of inheritance.

Submission:

Labcorp Genetics (formerly Invitae), Labcorp
Classification: Pathogenic for Long QT syndrome. Last evaluated: 2017-08-13. Review status: criteria provided, single submitter. Criteria: Invitae Variant Classification Sherloc (09022015). Collection method: clinical testing. Allele origin: germline.
Comment: This sequence change deletes 2 nucleotides from exon 5 of the KCNH2 mRNA (c.1121_1122delTC), causing a frameshift at codon 374. This creates a premature translational stop signal (p.Val374Aspfs*13) and is expected to result in an absent or disrupted protein product. For these reasons, this variant has been classified as Pathogenic. While this particular variant has not been reported in the literature, truncating variants in KCNH2 are known to be pathogenic (PMID: 19862833).

Literature cited by the submitters: PubMed 19862833.